The following is an entry in ClinVar:

NM_001292063.2(OTOG):c.94+76C>T

Gene: OTOG (otogelin; plus strand). Cytogenetic location: 11p15.1.
Variant type: single nucleotide variant.
Coding change: c.94+76C>T on transcript NM_001292063.2 (MANE Select); 76 bases into the intron after coding-DNA position 94, C replaced by T.
Molecular consequence: intron variant. On other transcripts: missense variant (1).
Genome position (GRCh38, 1-based): chr11:17,547,542, C>T. VCF-style: chr11-17547542-C-T. GRCh37 (hg19) VCF-style: chr11-17569089-C-T.
Other names: c.170C>T, p.Ala57Val (NM_001277269.2); short protein forms A57V.
Identifiers: ClinVar variation 930090 (VCV000930090.6), dbSNP rs568988885, ClinGen allele CA218483621.

ClinVar aggregate classification (germline): Uncertain significance. Review status: criteria provided, multiple submitters, no conflicts (2 of 4 stars). 3 submissions from 3 submitters: Uncertain significance (3). Last evaluated 2026-02-03.

Conditions:
OTOG-related disorder. Also called: OTOG-related condition.

Allele frequency attached by ClinVar (database versions not stated): gnomAD exomes 0.00001; gnomAD 0.00009 and 0.00010; TOPMed 0.00015; 1000 Genomes Project 30x 0.00031; 1000 Genomes Project 0.00040.
gnomAD v4.1: 24 of 1,272,580 alleles (0.0019%); highest among the groups gnomAD compares: Admixed American, 0.043%; no homozygotes.

Submissions (3):

PreventionGenetics, part of Exact Sciences
Classification: Uncertain significance for OTOG-related condition. Last evaluated: 2026-02-03. Review status: criteria provided, single submitter. Criteria: ACMG Guidelines, 2015. Collection method: clinical testing. Allele origin: germline.
Comment: The OTOG c.170C>T variant is predicted to result in the amino acid substitution p.Ala57Val. To our knowledge, this variant has not been reported in the literature or large population database (gnomAD). At this time, the clinical significance of this variant is uncertain due to the absence of conclusive functional and genetic evidence.

GeneDx
Classification: Uncertain significance. Last evaluated: 2021-10-12. Review status: criteria provided, single submitter. Criteria: GeneDx Variant Classification Process June 2021. Collection method: clinical testing. Allele origin: germline. Affected: yes.
Comment: In silico analysis supports that this missense variant does not alter protein structure/function; Has not been previously published as pathogenic or benign to our knowledge; In-silico analysis, which includes splice predictors and evolutionary conservation, is inconclusive as to whether the variant alters gene splicing. In the absence of RNA/functional studies, the actual effect of this sequence change is unknown.

Laboratory for Molecular Medicine, Mass General Brigham Personalized Medicine
Classification: Uncertain significance. Last evaluated: 2019-06-28. Review status: criteria provided, single submitter. Criteria: LMM Criteria. Collection method: clinical testing. Allele origin: germline. Observed: 1 variant allele.
Comment: The p.Ala57Val variant in OTOG has not been previously reported in individuals with hearing loss and was absent from large population studies. Computational prediction tools and conservation analysis suggest that this variant may not impact the protein, though this information is not predictive enough to rule out pathogenicity. In summary, the clinical significance of this variant is uncertain. ACMG/AMP Criteria applied: PM2, BP4.